The following is an entry in ClinVar:

NM_001365536.1(SCN9A):c.3997C>G (p.Leu1333Val)

Genes: SCN1A-AS1 (SCN1A and SCN9A antisense RNA 1; plus strand), SCN9A (sodium voltage-gated channel alpha subunit 9; minus strand). Cytogenetic location: 2q24.3.
Variant type: single nucleotide variant.
Coding change: c.3997C>G on transcript NM_001365536.1 (MANE Select); coding-DNA position 3997, C replaced by G.
Protein change: p.Leu1333Val; replaces leucine 1333 with valine.
Molecular consequence: missense variant.
Genome position (GRCh38, 1-based): chr2:166,228,900, G>C on the plus strand (C>G on the coding strand, the complement: SCN9A is on the minus strand). VCF-style: chr2-166228900-G-C. GRCh37 (hg19) VCF-style: chr2-167085410-G-C.
Other names: c.3964C>G, p.Leu1322Val (NM_002977.4); short protein forms L1322V, L1333V.
Identifiers: ClinVar variation 1720468 (VCV001720468.6), dbSNP rs1553479207, ClinGen allele CA349064347.
Genomic context (GRCh38, chr2:166,228,900, plus strand): 5'-TGTTAATACACTCATAGAACTTGCCAGCAAACAAATTTACTCCCATGATGCTGAATATCA[G>C]CCAGAATATAAGACACACAAGTAGCACATTCATGATGGAAGGAATTGCTCCTATGAGTGC-3'
Protein context (NP_001352465.1, residues 1323-1343): NVLLVCLIFW[Leu1333Val]IFSIMGVNLF

ClinVar aggregate classification (germline): Uncertain significance (1 of 4 stars; one submission).

Conditions:
Generalized epilepsy with febrile seizures plus, type 7 (GEFSP7). Also called: GEFS+, TYPE 7. Identifiers: Orphanet 36387, MedGen C2751778, MONDO:0013470, OMIM 613863.
Neuropathy, hereditary sensory and autonomic, type 2A (HSAN2A). Also called: ACROOSTEOLYSIS, GIACCAI TYPE; ACROOSTEOLYSIS, NEUROGENIC; WNK1-Related HSAN2 (HSAN2A); HSAN IIA; MORVAN DISEASE; NEUROPATHY, CONGENITAL SENSORY. Identifiers: Orphanet 970, MedGen C2752089, MONDO:0024309, OMIM 201300.

Submission:

Labcorp Genetics (formerly Invitae), Labcorp
Classification: Uncertain significance for Neuropathy, hereditary sensory and autonomic, type 2A; Generalized epilepsy with febrile seizures plus, type 7. Last evaluated: 2023-01-18. Review status: criteria provided, single submitter. Criteria: Invitae Variant Classification Sherloc (09022015). Collection method: clinical testing. Allele origin: germline.
Comment: In summary, the available evidence is currently insufficient to determine the role of this variant in disease. Therefore, it has been classified as a Variant of Uncertain Significance. Algorithms developed to predict the effect of missense changes on protein structure and function (SIFT, PolyPhen-2, Align-GVGD) all suggest that this variant is likely to be disruptive. ClinVar contains an entry for this variant (Variation ID: 1720468). This variant has not been reported in the literature in individuals affected with SCN9A-related conditions. This variant is not present in population databases (gnomAD no frequency). This sequence change replaces leucine, which is neutral and non-polar, with valine, which is neutral and non-polar, at codon 1322 of the SCN9A protein (p.Leu1322Val).